The following is an entry in ClinVar:

ClinVar aggregate classification (germline): Uncertain significance. Review status: criteria provided, multiple submitters, no conflicts (2 of 4 stars). 2 submissions from 2 submitters: Uncertain significance (2). Last evaluated 2024-08-29.

Conditions:
Hereditary cancer-predisposing syndrome. Also called: Hereditary Cancer Syndrome; Neoplastic Syndromes, Hereditary; Tumor predisposition; Hereditary neoplastic syndrome. Identifiers: Orphanet 140162, MedGen C0027672, MeSH D009386, MONDO:0015356.

Allele frequency attached by ClinVar (database versions not stated): gnomAD 0.00001 and 0.00003.
gnomAD v4.1: 1 of 1,609,912 alleles (0.000062%); highest among the groups gnomAD compares: African/African-American, 0.0013%; no homozygotes.

Submissions (2):

Labcorp Genetics (formerly Invitae), Labcorp
Classification: Uncertain significance for Hereditary cancer-predisposing syndrome. Last evaluated: 2024-08-29. Review status: criteria provided, single submitter. Criteria: Invitae Variant Classification Sherloc (09022015). Collection method: clinical testing. Allele origin: germline.
Comment: This sequence change falls in intron 22 of the RAD50 gene. It does not directly change the encoded amino acid sequence of the RAD50 protein. It affects a nucleotide within the consensus splice site. This variant is present in population databases (no rsID available, gnomAD 0.01%). This variant has not been reported in the literature in individuals affected with RAD50-related conditions. ClinVar contains an entry for this variant (Variation ID: 480443). Variants that disrupt the consensus splice site are a relatively common cause of aberrant splicing (PMID: 17576681, 9536098). RNA analysis performed to evaluate the impact of this variant on mRNA splicing indicates it does not significantly alter splicing (internal data). In summary, the available evidence is currently insufficient to determine the role of this variant in disease. Therefore, it has been classified as a Variant of Uncertain Significance.

Ambry Genetics
Classification: Uncertain significance for Hereditary cancer-predisposing syndrome. Last evaluated: 2020-01-14. Review status: criteria provided, single submitter. Criteria: Ambry Variant Classification Scheme 2023. Collection method: clinical testing. Allele origin: germline.
Comment: The c.3475+5G>A intronic variant results from a G to A substitution 5 nucleotides after coding exon 22 in the RAD50 gene. This nucleotide position is poorly conserved in available vertebrate species. Using two different splice site prediction tools, this alteration is predicted by ESEfinder to weaken the efficiency of the native splice donor site, but is not predicted to have a deleterious effect on this splice donor site by BDGP; however, direct evidence is unavailable. Since supporting evidence is limited at this time, the clinical significance of this alteration remains unclear.

Literature cited by the submitters: PubMed 17576681 (cited by Labcorp Genetics (formerly Invitae), Labcorp); PubMed 9536098 (cited by Labcorp Genetics (formerly Invitae), Labcorp).

NM_005732.4(RAD50):c.3475+5G>A

Genes: TH2-LCR (Th2 cytokine locus control region; plus strand), TH2LCRR (T helper type 2 locus control region associated RNA; minus strand), RAD50 (RAD50 double strand break repair protein; plus strand). Cytogenetic location: 5q31.1.
Variant type: single nucleotide variant.
Coding change: c.3475+5G>A on transcript NM_005732.4 (MANE Select); 5 bases into the intron after coding-DNA position 3475, G replaced by A.
Molecular consequence: intron variant.
Genome position (GRCh38, 1-based): chr5:132,637,205, G>A. VCF-style: chr5-132637205-G-A. GRCh37 (hg19) VCF-style: chr5-131972897-G-A.
Identifiers: ClinVar variation 480443 (VCV000480443.14), dbSNP rs1288724170, ClinGen allele CA562768675.